The following is an entry in ClinVar:

ClinVar aggregate classification (germline): Uncertain significance (1 of 4 stars; one submission).

Allele frequency attached by ClinVar (database versions not stated): gnomAD exomes below 0.00001.
gnomAD v4.1: 1 of 1,613,976 alleles (0.000062%); highest among the groups gnomAD compares: Non-Finnish European, 0.000085%; no homozygotes.

Submission:

Labcorp Genetics (formerly Invitae), Labcorp
Classification: Uncertain significance. Last evaluated: 2022-05-20. Review status: criteria provided, single submitter. Criteria: Invitae Variant Classification Sherloc (09022015). Collection method: clinical testing. Allele origin: germline.
Comment: Algorithms developed to predict the effect of missense changes on protein structure and function are either unavailable or do not agree on the potential impact of this missense change (SIFT: "Deleterious"; PolyPhen-2: "Benign"; Align-GVGD: "Class C0"). This variant has not been reported in the literature in individuals affected with PITPNM3-related conditions. In summary, the available evidence is currently insufficient to determine the role of this variant in disease. Therefore, it has been classified as a Variant of Uncertain Significance. This sequence change replaces glutamic acid, which is acidic and polar, with lysine, which is basic and polar, at codon 677 of the PITPNM3 protein (p.Glu677Lys). This variant is not present in population databases (gnomAD no frequency).

NM_031220.4(PITPNM3):c.2029G>A (p.Glu677Lys)

Gene: PITPNM3 (PITPNM family member 3; minus strand). Cytogenetic location: 17p13.2.
Variant type: single nucleotide variant.
Coding change: c.2029G>A on transcript NM_031220.4 (MANE Select); coding-DNA position 2029, G replaced by A.
Protein change: p.Glu677Lys; replaces glutamic acid 677 with lysine.
Molecular consequence: missense variant.
Genome position (GRCh38, 1-based): chr17:6,464,297, C>T on the plus strand (G>A on the coding strand, the complement: PITPNM3 is on the minus strand). VCF-style: chr17-6464297-C-T. GRCh37 (hg19) VCF-style: chr17-6367617-C-T.
Other names: c.1921G>A, p.Glu641Lys (NM_001165966.2); short protein forms E677K, E641K.
Identifiers: ClinVar variation 1997110 (VCV001997110.4), dbSNP rs2543982585, ClinGen allele CA397403116.